The following is an entry in ClinVar:

ClinVar aggregate classification (germline): Conflicting classifications of pathogenicity. Review status: criteria provided, conflicting classifications (1 of 4 stars). 4 submissions from 4 submitters: Uncertain significance (3); Likely benign (1). Last evaluated 2025-10-22.

Conditions:
Inborn genetic diseases. Identifiers: MedGen C0950123, MeSH D030342.

Allele frequency attached by ClinVar (database versions not stated): TOPMed 0.00044; gnomAD 0.00047 and 0.00048; gnomAD exomes 0.00047 and 0.00081; ExAC 0.00053; ESP Exome Variant Server 0.00054.
gnomAD v4.1: 1,256 of 1,613,902 alleles (0.078%); highest among the groups gnomAD compares: Non-Finnish European, 0.098%; 1 homozygote.

Submissions (4):

Labcorp Genetics (formerly Invitae), Labcorp
Classification: Likely benign. Last evaluated: 2025-10-22. Review status: criteria provided, single submitter. Criteria: Invitae Variant Classification Sherloc (09022015). Collection method: clinical testing. Allele origin: germline.

Ambry Genetics
Classification: Uncertain significance for Inborn genetic diseases. Last evaluated: 2024-12-03. Review status: criteria provided, single submitter. Criteria: Ambry Variant Classification Scheme 2023. Collection method: clinical testing. Allele origin: germline.
Comment: Unlikely to be causative of ATP5F1A-related mitochondrial complex V (ATP synthase) deficiency (AD) Based on insufficient or conflicting evidence, the clinical significance of this alteration remains unclear.

GeneDx
Classification: Uncertain significance. Last evaluated: 2024-05-15. Review status: criteria provided, single submitter. Criteria: GeneDx Variant Classification Process June 2021. Collection method: clinical testing. Allele origin: germline. Affected: yes.
Comment: Has not been previously published as pathogenic or benign to our knowledge; In silico analysis supports that this missense variant has a deleterious effect on protein structure/function

CeGaT Center for Human Genetics Tuebingen
Classification: Uncertain significance. Last evaluated: 2023-05-01. Review status: criteria provided, single submitter. Criteria: CeGaT Center For Human Genetics Tuebingen Variant Classification Criteria Version 2. Collection method: clinical testing. Allele origin: germline. Affected: yes. Observed: 1 variant allele.

NM_004046.6(ATP5F1A):c.416A>G (p.Asp139Gly)

Gene: ATP5F1A (ATP synthase F1 subunit alpha; minus strand). Cytogenetic location: 18q21.1.
Variant type: single nucleotide variant.
Coding change: c.416A>G on transcript NM_004046.6 (MANE Select); coding-DNA position 416, A replaced by G.
Protein change: p.Asp139Gly; replaces aspartic acid 139 with glycine.
Molecular consequence: missense variant.
Genome position (GRCh38, 1-based): chr18:46,089,890, T>C on the plus strand (A>G on the coding strand, the complement: ATP5F1A is on the minus strand). VCF-style: chr18-46089890-T-C. GRCh37 (hg19) VCF-style: chr18-43669856-T-C.
Other names: c.266A>G, p.Asp89Gly (NM_001001935.3, NM_001257335.2); c.416A>G, p.Asp139Gly (NM_001001937.2, NM_001257334.2); short protein forms D139G, D89G.
Identifiers: ClinVar variation 1321602 (VCV001321602.40), dbSNP rs148515768, ClinGen allele CA8950812.